The following is an entry in ClinVar:

NM_006005.3(WFS1):c.712+277A>G

Gene: WFS1 (wolframin ER transmembrane glycoprotein; plus strand). Cytogenetic location: 4p16.1.
Variant type: single nucleotide variant.
Coding change: c.712+277A>G on transcript NM_006005.3 (MANE Select); 277 bases into the intron after coding-DNA position 712, A replaced by G.
Molecular consequence: intron variant.
Genome position (GRCh38, 1-based): chr4:6,292,274, A>G. VCF-style: chr4-6292274-A-G. GRCh37 (hg19) VCF-style: chr4-6294001-A-G.
Other names: c.712+277A>G (NM_001145853.1).
Identifiers: ClinVar variation 684344 (VCV000684344.1), dbSNP rs4308429, ClinGen allele CA11634626.

ClinVar aggregate classification (germline): Benign (1 of 4 stars; one submission).

Allele frequency attached by ClinVar (database versions not stated): gnomAD 0.63264 and 0.64082; TOPMed 0.65053; 1000 Genomes Project 30x 0.72736; 1000 Genomes Project 0.72863.
gnomAD v4.1: 96,966 of 151,616 alleles (64%); highest among the groups gnomAD compares: East Asian, 93%; 31,603 homozygotes.

Submission:

GeneDx
Classification: Benign. Last evaluated: 2018-06-14. Review status: criteria provided, single submitter. Criteria: GeneDx Variant Classification (06012015). Collection method: clinical testing. Allele origin: germline. Affected: yes.
Comment: This variant is considered likely benign or benign based on one or more of the following criteria: it is a conservative change, it occurs at a poorly conserved position in the protein, it is predicted to be benign by multiple in silico algorithms, and/or has population frequency not consistent with disease.